The following is an entry in ClinVar:

NM_001385012.1(NBEA):c.1385C>T (p.Pro462Leu)

Gene: NBEA (neurobeachin; plus strand). Cytogenetic location: 13q13.3.
Variant type: single nucleotide variant.
Coding change: c.1385C>T on transcript NM_001385012.1 (MANE Select); coding-DNA position 1385, C replaced by T.
Protein change: p.Pro462Leu; replaces proline 462 with leucine.
Molecular consequence: missense variant.
Genome position (GRCh38, 1-based): chr13:35,070,053, C>T. VCF-style: chr13-35070053-C-T. GRCh37 (hg19) VCF-style: chr13-35644190-C-T.
Other names: c.1385C>T, p.Pro462Leu (NM_001379245.1, NM_015678.5); short protein forms P462L.
Identifiers: ClinVar variation 4527649 (VCV004527649.1).

ClinVar aggregate classification (germline): Uncertain significance (1 of 4 stars; one submission).

Submission:

GeneDx
Classification: Uncertain significance. Last evaluated: 2025-04-29. Review status: criteria provided, single submitter. Criteria: GeneDx Variant Classification Process June 2021. Collection method: clinical testing. Allele origin: germline. Affected: yes.
Comment: Not observed at significant frequency in large population cohorts (gnomAD); In silico analysis supports that this missense variant has a deleterious effect on protein structure/function; Has not been previously published as pathogenic or benign to our knowledge